The following is an entry in ClinVar:

NM_130837.3(OPA1):c.523A>C (p.Ser175Arg)

Gene: OPA1 (OPA1 mitochondrial dynamin like GTPase; plus strand). Cytogenetic location: 3q29.
Variant type: single nucleotide variant.
Coding change: c.523A>C on transcript NM_130837.3 (MANE Select); coding-DNA position 523, A replaced by C.
Protein change: p.Ser175Arg; replaces serine 175 with arginine.
Molecular consequence: missense variant. On other transcripts: intron variant (5).
Genome position (GRCh38, 1-based): chr3:193,617,252, A>C. VCF-style: chr3-193617252-A-C. GRCh37 (hg19) VCF-style: chr3-193335041-A-C.
Other names: c.151A>C, p.Ser51Arg (NM_001354664.2); c.523A>C, p.Ser175Arg (NM_015560.3, NM_130834.3, NM_130836.3); c.76+1482A>C (NM_001354663.2); c.449-532A>C (NM_130835.3, NM_130832.3); c.448+1482A>C (NM_130833.3, NM_130831.3); short protein forms S175R, S51R.
Identifiers: ClinVar variation 3571813 (VCV003571813.1).

ClinVar aggregate classification (germline): Uncertain significance (1 of 4 stars; one submission).

gnomAD v4.1: 3 of 1,612,760 alleles (0.00019%); highest among the groups gnomAD compares: African/African-American, 0.004%; no homozygotes.

Submission:

Athena Diagnostics
Classification: Uncertain significance. Last evaluated: 2024-01-04. Review status: criteria provided, single submitter. Criteria: Athena Diagnostics Criteria. Collection method: clinical testing. Allele origin: unknown.
Comment: Available data are insufficient to determine the clinical significance of the variant at this time. The frequency of this variant in the general population is uninformative in assessment of its pathogenicity. This variant has been seen where an alternate explanation for disease was also identified, suggesting this variant may not cause disease. Computational tools predict that this variant is not damaging.